The following is an entry in ClinVar:

NM_001042492.3(NF1):c.6526del (p.Ile2176fs)

Gene: NF1 (neurofibromin 1; plus strand). Cytogenetic location: 17q11.2.
Variant type: Deletion.
Coding change: c.6526del on transcript NM_001042492.3 (MANE Select); coding-DNA position 6526, one base deleted (A; older notation c.6526delA).
Protein change: p.Ile2176fs; shifts the reading frame from isoleucine 2176.
Molecular consequence: frameshift variant.
Genome position (GRCh38, 1-based): chr17:31,337,466, A deleted. VCF-style (leftmost placement, unchanged base first): chr17-31337465-CA-C. GRCh37 (hg19) VCF-style: chr17-29664483-CA-C.
Other names: c.6463del, p.Ile2155fs (NM_000267.4); short protein forms I2176fs, I2155fs.
Identifiers: ClinVar variation 4712387 (VCV004712387.1).

ClinVar aggregate classification (germline): Pathogenic (1 of 4 stars; one submission).

Conditions:
Neurofibromatosis, type 1 (NF1). Also called: VON RECKLINGHAUSEN DISEASE; Peripheral type neurofibromatosis; NEUROFIBROMATOSIS, TYPE I, SOMATIC; Neurofibromatosis, type I. Identifiers: Orphanet 636, MedGen C0027831, MONDO:0018975, OMIM 162200. Disease mechanism: loss of function.

Submission:

Labcorp Genetics (formerly Invitae), Labcorp
Classification: Pathogenic for Neurofibromatosis, type 1. Last evaluated: 2025-02-06. Review status: criteria provided, single submitter. Criteria: Invitae Variant Classification Sherloc (09022015). Collection method: clinical testing. Allele origin: germline.
Comment: This sequence change creates a premature translational stop signal (p.Ile2155Leufs*24) in the NF1 gene. It is expected to result in an absent or disrupted protein product. Loss-of-function variants in NF1 are known to be pathogenic (PMID: 10712197, 23913538). This variant is not present in population databases (gnomAD no frequency). This variant has not been reported in the literature in individuals affected with NF1-related conditions. For these reasons, this variant has been classified as Pathogenic.

Literature cited by the submitters: PubMed 10712197; PubMed 23913538.